The following is an entry in ClinVar:

NM_020693.4(DSCAML1):c.5645G>A (p.Gly1882Asp)

Gene: DSCAML1 (DS cell adhesion molecule like 1; minus strand). Cytogenetic location: 11q23.3.
Variant type: single nucleotide variant.
Coding change: c.5645G>A on transcript NM_020693.4 (MANE Select); coding-DNA position 5645, G replaced by A.
Protein change: p.Gly1882Asp; replaces glycine 1882 with aspartic acid.
Molecular consequence: missense variant.
Genome position (GRCh38, 1-based): chr11:117,430,763, C>T on the plus strand (G>A on the coding strand, the complement: DSCAML1 is on the minus strand). VCF-style: chr11-117430763-C-T. GRCh37 (hg19) VCF-style: chr11-117301479-C-T.
Other names: short protein forms G1882D.
Identifiers: ClinVar variation 4810667 (VCV004810667.1).

ClinVar aggregate classification (germline): Uncertain significance (1 of 4 stars; one submission).

gnomAD v4.1: 4 of 1,613,814 alleles (0.00025%); highest among the groups gnomAD compares: Admixed American, 0.0017%; no homozygotes.

Submission:

Labcorp Genetics (formerly Invitae), Labcorp
Classification: Uncertain significance. Last evaluated: 2025-11-22. Review status: criteria provided, single submitter. Criteria: Invitae Variant Classification Sherloc (09022015). Collection method: clinical testing. Allele origin: germline.
Comment: This sequence change replaces glycine, which is neutral and non-polar, with aspartic acid, which is acidic and polar, at codon 1942 of the DSCAML1 protein (p.Gly1942Asp). This variant is not present in population databases (gnomAD no frequency). This variant has not been reported in the literature in individuals affected with DSCAML1-related conditions. An algorithm developed to predict the effect of missense changes on protein structure and function (PolyPhen-2) suggests that this variant is likely to be disruptive. In summary, the available evidence is currently insufficient to determine the role of this variant in disease. Therefore, it has been classified as a Variant of Uncertain Significance.